The following is an entry in ClinVar:

NM_000548.5(TSC2):c.5335C>G (p.Gln1779Glu)

Gene: TSC2 (TSC complex subunit 2; plus strand). Cytogenetic location: 16p13.3.
Variant type: single nucleotide variant.
Coding change: c.5335C>G on transcript NM_000548.5 (MANE Select); coding-DNA position 5335, C replaced by G.
Protein change: p.Gln1779Glu; replaces glutamine 1779 with glutamic acid.
Molecular consequence: missense variant.
Genome position (GRCh38, 1-based): chr16:2,088,521, C>G. VCF-style: chr16-2088521-C-G. GRCh37 (hg19) VCF-style: chr16-2138522-C-G.
Other names: c.5134C>G, p.Gln1712Glu (NM_001077183.3); c.5266C>G, p.Gln1756Glu (NM_001114382.3); c.5026C>G, p.Gln1676Glu (NM_001318827.2); c.4990C>G, p.Gln1664Glu (NM_001318829.2); c.4603C>G, p.Gln1535Glu (NM_001318831.2); c.5167C>G, p.Gln1723Glu (NM_001318832.2); c.5137C>G, p.Gln1713Glu (NM_001363528.2); c.5203C>G, p.Gln1735Glu (NM_001370404.1); and 27 more; short protein forms Q1178E, Q1288E, Q1287E, Q1555E, Q1676E, Q1712E, Q1723E, Q1753E.
Identifiers: ClinVar variation 1746897 (VCV001746897.4), dbSNP rs1396666232, ClinGen allele CA394315631.

ClinVar aggregate classification (germline): Uncertain significance. Review status: criteria provided, multiple submitters, no conflicts (2 of 4 stars). 2 submissions from 2 submitters: Uncertain significance (2). Last evaluated 2025-12-24.

Conditions:
Tuberous sclerosis 2 (TSC2). Identifiers: Orphanet 805, MedGen C1860707, MONDO:0013199, OMIM 613254.
Hereditary cancer-predisposing syndrome. Also called: Neoplastic Syndromes, Hereditary; Tumor predisposition; Hereditary Cancer Syndrome; Hereditary neoplastic syndrome. Identifiers: Orphanet 140162, MedGen C0027672, MeSH D009386, MONDO:0015356.

Submissions (2):

Labcorp Genetics (formerly Invitae), Labcorp
Classification: Uncertain significance for Tuberous sclerosis 2. Last evaluated: 2025-12-24. Review status: criteria provided, single submitter. Criteria: Invitae Variant Classification Sherloc (09022015). Collection method: clinical testing. Allele origin: germline.
Comment: This sequence change replaces glutamine, which is neutral and polar, with glutamic acid, which is acidic and polar, at codon 1779 of the TSC2 protein (p.Gln1779Glu). This variant is not present in population databases (gnomAD no frequency). This variant has not been reported in the literature in individuals affected with TSC2-related conditions. ClinVar contains an entry for this variant (Variation ID: 1746897). Invitae Evidence Modeling of protein sequence and biophysical properties (such as structural, functional, and spatial information, amino acid conservation, physicochemical variation, residue mobility, and thermodynamic stability) indicates that this missense variant is not expected to disrupt TSC2 protein function with a negative predictive value of 95%. In summary, the available evidence is currently insufficient to determine the role of this variant in disease. Therefore, it has been classified as a Variant of Uncertain Significance.

Ambry Genetics
Classification: Uncertain significance for Hereditary cancer-predisposing syndrome. Last evaluated: 2021-01-13. Review status: criteria provided, single submitter. Criteria: Ambry Variant Classification Scheme 2023. Collection method: clinical testing. Allele origin: germline.
Comment: The p.Q1779E variant (also known as c.5335C>G), located in coding exon 41 of the TSC2 gene, results from a C to G substitution at nucleotide position 5335. The glutamine at codon 1779 is replaced by glutamic acid, an amino acid with highly similar properties. This amino acid position is not well conserved in available vertebrate species. In addition, the in silico prediction for this alteration is inconclusive. Since supporting evidence is limited at this time, the clinical significance of this alteration remains unclear.